The following is an entry in ClinVar:

ClinVar aggregate classification (germline): Uncertain significance (1 of 4 stars; one submission).

Submission:

GeneDx
Classification: Uncertain significance. Last evaluated: 2019-12-18. Review status: criteria provided, single submitter. Criteria: GeneDx Variant Classification Process June 2021. Collection method: clinical testing. Allele origin: germline. Affected: yes.
Comment: Not observed in large population cohorts (Lek et al., 2016); In silico analysis, which includes protein predictors and evolutionary conservation, supports a deleterious effect; Has not been previously published as pathogenic or benign to our knowledge

NM_021072.4(HCN1):c.662G>T (p.Trp221Leu)

Gene: HCN1 (hyperpolarization activated cyclic nucleotide gated potassium channel 1; minus strand). Cytogenetic location: 5p12.
Variant type: single nucleotide variant.
Coding change: c.662G>T on transcript NM_021072.4 (MANE Select); coding-DNA position 662, G replaced by T.
Protein change: p.Trp221Leu; replaces tryptophan 221 with leucine.
Molecular consequence: missense variant.
Genome position (GRCh38, 1-based): chr5:45,645,372, C>A on the plus strand (G>T on the coding strand, the complement: HCN1 is on the minus strand). VCF-style: chr5-45645372-C-A. GRCh37 (hg19) VCF-style: chr5-45645474-C-A.
Other names: short protein forms W221L.
Identifiers: ClinVar variation 1311191 (VCV001311191.2), dbSNP rs2112032055, ClinGen allele CA359707401.